The following is an entry in ClinVar:

NM_004369.4(COL6A3):c.7324G>T (p.Gly2442Trp)

Gene: COL6A3 (collagen type VI alpha 3 chain; minus strand). Cytogenetic location: 2q37.3.
Variant type: single nucleotide variant.
Coding change: c.7324G>T on transcript NM_004369.4 (MANE Select); coding-DNA position 7324, G replaced by T.
Protein change: p.Gly2442Trp; replaces glycine 2442 with tryptophan.
Molecular consequence: missense variant.
Genome position (GRCh38, 1-based): chr2:237,344,694, C>A on the plus strand (G>T on the coding strand, the complement: COL6A3 is on the minus strand). VCF-style: chr2-237344694-C-A. GRCh37 (hg19) VCF-style: chr2-238253337-C-A.
Other names: c.5503G>T, p.Gly1835Trp (NM_057166.5); c.6706G>T, p.Gly2236Trp (NM_057167.4); short protein forms G2236W, G1835W, G2442W.
Identifiers: ClinVar variation 1912321 (VCV001912321.5), dbSNP rs756402073, ClinGen allele CA2187827.

ClinVar aggregate classification (germline): Uncertain significance (1 of 4 stars; one submission).

Conditions:
Bethlem myopathy 1A. Also called: Bethlem myopathy 1; MYOPATHY, BENIGN CONGENITAL, WITH CONTRACTURES; Bethlem Muscular Dystrophy. Identifiers: Orphanet 610, MedGen CN029274, MONDO:0024530, OMIM 158810.

Allele frequency attached by ClinVar (database versions not stated): gnomAD 0.00001; ExAC 0.00002.
gnomAD v4.1: 4 of 1,609,664 alleles (0.00025%); highest among the groups gnomAD compares: Admixed American, 0.005%; no homozygotes.

Submission:

Labcorp Genetics (formerly Invitae), Labcorp
Classification: Uncertain significance for Bethlem myopathy 1A. Last evaluated: 2025-04-29. Review status: criteria provided, single submitter. Criteria: Invitae Variant Classification Sherloc (09022015). Collection method: clinical testing. Allele origin: germline.
Comment: This sequence change replaces glycine, which is neutral and non-polar, with tryptophan, which is neutral and slightly polar, at codon 2442 of the COL6A3 protein (p.Gly2442Trp). This variant is present in population databases (rs756402073, gnomAD 0.009%). This variant has not been reported in the literature in individuals affected with COL6A3-related conditions. ClinVar contains an entry for this variant (Variation ID: 1912321). Invitae Evidence Modeling of protein sequence and biophysical properties (such as structural, functional, and spatial information, amino acid conservation, physicochemical variation, residue mobility, and thermodynamic stability) indicates that this missense variant is expected to disrupt COL6A3 protein function with a positive predictive value of 80%. In summary, the available evidence is currently insufficient to determine the role of this variant in disease. Therefore, it has been classified as a Variant of Uncertain Significance.